The following is an entry in ClinVar:

ClinVar aggregate classification (germline): Pathogenic (1 of 4 stars; one submission).

Submission:

Labcorp Genetics (formerly Invitae), Labcorp
Classification: Pathogenic. Last evaluated: 2023-10-22. Review status: criteria provided, single submitter. Criteria: Invitae Variant Classification Sherloc (09022015). Collection method: clinical testing. Allele origin: germline.
Comment: This sequence change creates a premature translational stop signal (p.Gly586Valfs*129) in the COL11A2 gene. It is expected to result in an absent or disrupted protein product. Loss-of-function variants in COL11A2 are known to be pathogenic (PMID: 10677296, 21204229). This variant is not present in population databases (gnomAD no frequency). This variant has not been reported in the literature in individuals affected with COL11A2-related conditions. For these reasons, this variant has been classified as Pathogenic.

Literature cited by the submitters: PubMed 10677296; PubMed 21204229.

NM_080680.3(COL11A2):c.1755del (p.Gly586fs)

Gene: COL11A2 (collagen type XI alpha 2 chain; minus strand). Cytogenetic location: 6p21.32.
Variant type: Deletion.
Coding change: c.1755del on transcript NM_080680.3 (MANE Select); coding-DNA position 1755, one base deleted (T; older notation c.1755delT).
Protein change: p.Gly586fs; shifts the reading frame from glycine 586.
Molecular consequence: frameshift variant.
Genome position (GRCh38, 1-based): chr6:33,178,453, A deleted on the plus strand (T on the coding strand, the reverse complement: COL11A2 is on the minus strand). VCF-style (leftmost placement, unchanged base first): chr6-33178452-CA-C. GRCh37 (hg19) VCF-style: chr6-33146229-CA-C.
Other names: c.1575del, p.Gly526fs (NM_001424108.1); c.909del, p.Gly304fs (NM_001424109.1); c.729del, p.Gly244fs (NM_001424110.1, NM_001424111.1); c.1434del, p.Gly479fs (NM_080679.3); c.1497del, p.Gly500fs (NM_080681.3); short protein forms G244fs, G526fs, G586fs, G479fs, G304fs, G500fs.
Identifiers: ClinVar variation 2777824 (VCV002777824.3), dbSNP rs2535202007, ClinGen allele CA2739272919.